The following is an entry in ClinVar:

NM_000051.4(ATM):c.1008T>C (p.Phe336=)

Gene: ATM (ATM serine/threonine kinase; plus strand). Cytogenetic location: 11q22.3.
Variant type: single nucleotide variant.
Coding change: c.1008T>C on transcript NM_000051.4 (MANE Select); coding-DNA position 1008, T replaced by C.
Protein change: p.Phe336=; no amino-acid change (phenylalanine 336 retained).
Molecular consequence: synonymous variant.
Genome position (GRCh38, 1-based): chr11:108,247,070, T>C. VCF-style: chr11-108247070-T-C. GRCh37 (hg19) VCF-style: chr11-108117797-T-C.
Other names: c.1008T>C, p.Phe336= (NM_001351834.2).
Identifiers: ClinVar variation 1542230 (VCV001542230.9), dbSNP rs1555068492, ClinGen allele CA476671558.

ClinVar aggregate classification (germline): Benign/Likely benign. Review status: criteria provided, multiple submitters, no conflicts (2 of 4 stars). 2 submissions from 2 submitters: Benign (1); Likely benign (1). Last evaluated 2024-04-24.

Conditions:
Ataxia-telangiectasia syndrome (AT). Also called: Cerebello-oculocutaneous telangiectasia; Immunodeficiency with ataxia telangiectasia; ATAXIA-TELANGIECTASIA, FRESNO VARIANT; Ataxia-telangiectasia, complementation group E; Ataxia-telangiectasia, complementation group D; AT, COMPLEMENTATION GROUP C. Identifiers: Orphanet 100, MedGen C0004135, MONDO:0008840, OMIM 208900.
Familial cancer of breast. Also called: Hereditary breast cancer; BREAST CANCER, FAMILIAL; hereditary breast carcinoma. Identifiers: Orphanet 227535, MedGen C0346153, MONDO:0016419, OMIM 114480. Disease mechanism: loss of function.

Submissions (2):

Myriad Genetics, Inc.
Classification: Benign for Familial cancer of breast. Last evaluated: 2024-04-24. Review status: criteria provided, single submitter. Criteria: Myriad Autosomal Dominant, Autosomal Recessive and X-Linked Classification Criteria (2023). Collection method: clinical testing. Allele origin: unknown.
Comment: This variant is considered benign. This variant is a silent/synonymous amino acid change and it is not expected to impact splicing.

Labcorp Genetics (formerly Invitae), Labcorp
Classification: Likely benign for Ataxia-telangiectasia syndrome. Last evaluated: 2022-08-22. Review status: criteria provided, single submitter. Criteria: Invitae Variant Classification Sherloc (09022015). Collection method: clinical testing. Allele origin: germline.